The following is an entry in ClinVar:

NM_005477.3(HCN4):c.1632G>A (p.Pro544=)

Gene: HCN4 (hyperpolarization activated cyclic nucleotide gated potassium channel 4; minus strand). Cytogenetic location: 15q24.1.
Variant type: single nucleotide variant.
Coding change: c.1632G>A on transcript NM_005477.3 (MANE Select); coding-DNA position 1632, G replaced by A.
Protein change: p.Pro544=; no amino-acid change (proline 544 retained).
Molecular consequence: synonymous variant.
Genome position (GRCh38, 1-based): chr15:73,325,403, C>T on the plus strand (G>A on the coding strand, the complement: HCN4 is on the minus strand). VCF-style: chr15-73325403-C-T. GRCh37 (hg19) VCF-style: chr15-73617744-C-T.
Identifiers: ClinVar variation 509927 (VCV000509927.13), dbSNP rs544585089, ClinGen allele CA7649244.
Genomic context (GRCh38, chr15:73,325,403, plus strand): 5'-GAACATCTTGCCCTGGTAGCGGTGCTCGTAGTAGTCGTGGATGCGCTGCCGGGTGTCGGG[C>T]GGGAGCTTGTGAAAGGACATGTACTGCTCCACCTGCTTGTACTGAGGCCGGGAGAAGGGG-3'
Protein context (NP_005468.1, residues 534-554): VEQYMSFHKL[Pro544=]PDTRQRIHDY

ClinVar aggregate classification (germline): Likely benign. Review status: criteria provided, multiple submitters, no conflicts (2 of 4 stars). 3 submissions from 3 submitters: Likely benign (3). Last evaluated 2025-11-17.

Conditions:
Cardiovascular phenotype. Identifiers: MedGen CN230736.
Brugada syndrome 8 (BRGDA8). Identifiers: Orphanet 130, MedGen C2751083, MONDO:0013148, OMIM 613123.

Allele frequency attached by ClinVar (database versions not stated): gnomAD exomes 0.00001; TOPMed 0.00001; gnomAD 0.00003.
gnomAD v4.1: 21 of 1,613,978 alleles (0.0013%); highest among the groups gnomAD compares: East Asian, 0.0022%; no homozygotes.

Submissions (3):

Labcorp Genetics (formerly Invitae), Labcorp
Classification: Likely benign for Brugada syndrome 8. Last evaluated: 2025-11-17. Review status: criteria provided, single submitter. Criteria: Invitae Variant Classification Sherloc (09022015). Collection method: clinical testing. Allele origin: germline.

Ambry Genetics
Classification: Likely benign for Cardiovascular phenotype. Last evaluated: 2022-10-11. Review status: criteria provided, single submitter. Criteria: Ambry Variant Classification Scheme 2023. Collection method: clinical testing. Allele origin: germline.

GeneDx
Classification: Likely benign. Last evaluated: 2017-06-05. Review status: criteria provided, single submitter. Criteria: GeneDx Variant Classification (06012015). Collection method: clinical testing. Allele origin: germline. Affected: yes.
Comment: This variant is considered likely benign or benign based on one or more of the following criteria: it is a conservative change, it occurs at a poorly conserved position in the protein, it is predicted to be benign by multiple in silico algorithms, and/or has population frequency not consistent with disease.